The following is an entry in ClinVar:

NM_001457.4(FLNB):c.3052G>A (p.Val1018Met)

Gene: FLNB (filamin B; plus strand). Cytogenetic location: 3p14.3.
Variant type: single nucleotide variant.
Coding change: c.3052G>A on transcript NM_001457.4 (MANE Select); coding-DNA position 3052, G replaced by A.
Protein change: p.Val1018Met; replaces valine 1018 with methionine.
Molecular consequence: missense variant.
Genome position (GRCh38, 1-based): chr3:58,121,429, G>A. VCF-style: chr3-58121429-G-A. GRCh37 (hg19) VCF-style: chr3-58107156-G-A.
Other names: c.3052G>A, p.Val1018Met (NM_001164318.2, NM_001164319.2, NM_001164317.2); short protein forms V1018M.
Identifiers: ClinVar variation 900580 (VCV000900580.20), dbSNP rs2276742, ClinGen allele CA2468313.

ClinVar aggregate classification (germline): Conflicting classifications of pathogenicity. Review status: criteria provided, conflicting classifications (1 of 4 stars). 6 submissions from 6 submitters: Uncertain significance (4); Likely benign (1). 1 of the submissions does not count toward it. Last evaluated 2026-01-24.

Conditions:
Connective tissue disorder. Also called: Connective tissue disease. Identifiers: MedGen C0009782, MONDO:0003900.
FLNB-related disorder. Also called: FLNB-related disorders; FLNB-related condition. Identifiers: MedGen CN381095.
FLNB-Related Spectrum Disorders.

Allele frequency attached by ClinVar (database versions not stated): gnomAD 0.00022 and 0.00027; ESP Exome Variant Server 0.00062; 1000 Genomes Project 30x 0.00094; ExAC 0.00030; 1000 Genomes Project 0.00100; gnomAD exomes 0.00026; TOPMed 0.00029.
gnomAD v4.1: 414 of 1,614,128 alleles (0.026%); highest among the groups gnomAD compares: East Asian, 0.48%; 1 homozygote.

Submissions (6):

Labcorp Genetics (formerly Invitae), Labcorp
Classification: Likely benign. Last evaluated: 2026-01-24. Review status: criteria provided, single submitter. Criteria: Invitae Variant Classification Sherloc (09022015). Collection method: clinical testing. Allele origin: germline.

Blueprint Genetics
Classification: Uncertain significance. Last evaluated: 2024-09-20. Review status: criteria provided, single submitter. Criteria: ACMG Guidelines, 2015. Collection method: clinical testing. Allele origin: germline.

GeneDx
Classification: Uncertain significance. Last evaluated: 2021-03-09. Review status: criteria provided, single submitter. Criteria: GeneDx Variant Classification Process June 2021. Collection method: clinical testing. Allele origin: germline. Affected: yes.
Comment: In silico analysis supports that this missense variant does not alter protein structure/function; Has not been previously published as pathogenic or benign to our knowledge

Genome Diagnostics Laboratory, The Hospital for Sick Children
Classification: Uncertain significance for Connective tissue disorder. Last evaluated: 2019-08-01. Review status: criteria provided, single submitter. Criteria: ACMG Guidelines, 2015. Collection method: clinical testing. Allele origin: germline.

Illumina Laboratory Services, Illumina
Classification: Uncertain significance for FLNB-Related Spectrum Disorders. Last evaluated: 2018-01-13. Review status: criteria provided, single submitter. Criteria: ICSL Variant Classification Criteria 13 December 2019. Collection method: clinical testing. Allele origin: germline.

PreventionGenetics, part of Exact Sciences
Classification: Likely benign for FLNB-related condition. Last evaluated: 2022-08-31. Review status: no assertion criteria provided. Collection method: clinical testing. Allele origin: germline. Not counted in ClinVar's aggregate classification.
Comment: This variant is classified as likely benign based on ACMG/AMP sequence variant interpretation guidelines (Richards et al. 2015 PMID: 25741868, with internal and published modifications).